The following is an entry in ClinVar:

NM_183235.3(RAB27A):c.121A>G (p.Thr41Ala)

Gene: RAB27A (RAB27A, member RAS oncogene family; minus strand). Cytogenetic location: 15q21.3.
Variant type: single nucleotide variant.
Coding change: c.121A>G on transcript NM_183235.3 (MANE Select); coding-DNA position 121, A replaced by G.
Protein change: p.Thr41Ala; replaces threonine 41 with alanine.
Molecular consequence: missense variant.
Genome position (GRCh38, 1-based): chr15:55,234,814, T>C on the plus strand (A>G on the coding strand, the complement: RAB27A is on the minus strand). VCF-style: chr15-55234814-T-C. GRCh37 (hg19) VCF-style: chr15-55527012-T-C.
Other names: c.121A>G, p.Thr41Ala (NM_004580.5, NM_183234.3, NM_183236.3); short protein forms T41A.
Identifiers: ClinVar variation 1058396 (VCV001058396.11), dbSNP rs1896186645, ClinGen allele CA392530823.

ClinVar aggregate classification (germline): Conflicting classifications of pathogenicity. Review status: criteria provided, conflicting classifications (1 of 4 stars). 2 submissions from 2 submitters: Likely pathogenic (1); Uncertain significance (1). Last evaluated 2026-01-19.

Conditions:
Griscelli syndrome type 2 (GS2). Also called: GRISCELLI SYNDROME WITH HEMOPHAGOCYTIC SYNDROME; PAID SYNDROME; PARTIAL ALBINISM AND IMMUNODEFICIENCY SYNDROME. Identifiers: Orphanet 381, Orphanet 79477, MedGen C1868679, MONDO:0011872, OMIM 607624.

Allele frequency attached by ClinVar (database versions not stated): TOPMed below 0.00001; gnomAD exomes 0.00001.
gnomAD v4.1: 7 of 1,611,984 alleles (0.00043%); highest among the groups gnomAD compares: Non-Finnish European, 0.00059%; no homozygotes.

Submissions (2):

Labcorp Genetics (formerly Invitae), Labcorp
Classification: Likely pathogenic for Griscelli syndrome type 2. Last evaluated: 2026-01-19. Review status: criteria provided, single submitter. Criteria: Invitae Variant Classification Sherloc (09022015). Collection method: clinical testing. Allele origin: germline.
Comment: This sequence change replaces threonine, which is neutral and polar, with alanine, which is neutral and non-polar, at codon 41 of the RAB27A protein (p.Thr41Ala). This variant is not present in population databases (gnomAD no frequency). This missense change has been observed in individual(s) with hemophagocytic lymphohistiocytosis (PMID: 32542393; internal data). In at least one individual the data is consistent with being in trans (on the opposite chromosome) from a pathogenic variant. ClinVar contains an entry for this variant (Variation ID: 1058396). Invitae Evidence Modeling of protein sequence and biophysical properties (such as structural, functional, and spatial information, amino acid conservation, physicochemical variation, residue mobility, and thermodynamic stability) indicates that this missense variant is expected to disrupt RAB27A protein function with a positive predictive value of 95%. In summary, the currently available evidence indicates that the variant is pathogenic, but additional data are needed to prove that conclusively. Therefore, this variant has been classified as Likely Pathogenic.

Revvity Omics, Revvity
Classification: Uncertain significance for Griscelli syndrome type 2. Last evaluated: 2021-04-19. Review status: criteria provided, single submitter. Criteria: ACMG Guidelines, 2015. Collection method: clinical testing. Allele origin: germline.

Literature cited by the submitters: PubMed 32542393 (cited by Labcorp Genetics (formerly Invitae), Labcorp).